The following is an entry in ClinVar:

ClinVar aggregate classification (germline): Pathogenic/Likely pathogenic. Review status: criteria provided, multiple submitters, no conflicts (2 of 4 stars). 3 submissions from 3 submitters: Pathogenic (2); Likely pathogenic (1). Last evaluated 2024-06-25.

Conditions:
Hereditary nonpolyposis colorectal neoplasms. Identifiers: MedGen C0009405, MeSH D003123.
Lynch syndrome 4 (LYNCH4). Also called: Colorectal cancer, hereditary nonpolyposis, type 4; Hereditary non-polyposis colorectal cancer, type 4. Identifiers: Orphanet 144, MedGen C1838333, MONDO:0013699, OMIM 614337. Disease mechanism: loss of function.

Submissions (3):

Labcorp Genetics (formerly Invitae), Labcorp
Classification: Pathogenic for Hereditary nonpolyposis colorectal neoplasms. Last evaluated: 2024-06-25. Review status: criteria provided, single submitter. Criteria: Invitae Variant Classification Sherloc (09022015). Collection method: clinical testing. Allele origin: germline.
Comment: This sequence change creates a premature translational stop signal (p.Ser815*) in the PMS2 gene. While this is not anticipated to result in nonsense mediated decay, it is expected to disrupt the last 48 amino acid(s) of the PMS2 protein. The frequency data for this variant in the population databases (gnomAD) is considered unreliable due to the presence of homologous sequence, such as pseudogenes or paralogs, in the genome. This variant has not been reported in the literature in individuals affected with PMS2-related conditions. ClinVar contains an entry for this variant (Variation ID: 1691167). This variant disrupts a region of the PMS2 protein in which other variant(s) (p.Trp841Glyfs*10) have been determined to be pathogenic (PMID: 26116798, 30764633; Invitae). This suggests that this is a clinically significant region of the protein, and that variants that disrupt it are likely to be disease-causing. For these reasons, this variant has been classified as Pathogenic.

Myriad Genetics, Inc.
Classification: Pathogenic for Lynch syndrome 4. Last evaluated: 2023-09-22. Review status: criteria provided, single submitter. Criteria: Myriad Autosomal Dominant, Autosomal Recessive and X-Linked Classification Criteria (2023). Collection method: clinical testing. Allele origin: unknown.
Comment: This variant is considered pathogenic. This variant creates a termination codon and is predicted to result in premature protein truncation.

GeneDx
Classification: Likely pathogenic. Last evaluated: 2022-06-01. Review status: criteria provided, single submitter. Criteria: GeneDx Variant Classification Process June 2021. Collection method: clinical testing. Allele origin: germline. Affected: yes.
Comment: Nonsense variant in the C-terminus predicted to result in protein truncation, as the last 48 amino acids are lost, and other loss-of-function variants have been reported downstream in the Human Gene Mutation Database (HGMD); Not observed at significant frequency in large population cohorts (gnomAD); Has not been previously published as pathogenic or benign to our knowledge; This variant is associated with the following publications: (PMID: 18619468, Fukui2011[Chapter])

Literature cited by the submitters: PubMed 26116798 (cited by Labcorp Genetics (formerly Invitae), Labcorp); PubMed 30764633 (cited by Labcorp Genetics (formerly Invitae), Labcorp).

NM_000535.7(PMS2):c.2444C>A (p.Ser815Ter)

Gene: PMS2 (PMS1 homolog 2, mismatch repair system component; minus strand). Cytogenetic location: 7p22.1.
Variant type: single nucleotide variant.
Coding change: c.2444C>A on transcript NM_000535.7 (MANE Select); coding-DNA position 2444, C replaced by A.
Protein change: p.Ser815Ter; replaces serine 815 with a stop codon.
Molecular consequence: nonsense. On other transcripts: non-coding transcript variant (1).
Genome position (GRCh38, 1-based): chr7:5,977,589, G>T on the plus strand (C>A on the coding strand, the complement: PMS2 is on the minus strand). VCF-style: chr7-5977589-G-T. GRCh37 (hg19) VCF-style: chr7-6017220-G-T.
Other names: c.2039C>A, p.Ser680Ter (NM_001322003.2, NM_001322004.2, NM_001322005.2); c.2288C>A, p.Ser763Ter (NM_001322006.2); c.2126C>A, p.Ser709Ter (NM_001322007.2, NM_001322008.2); c.2072C>A, p.Ser691Ter (NM_001322009.2); c.1883C>A, p.Ser628Ter (NM_001322010.2); c.1511C>A, p.Ser504Ter (NM_001322011.2, NM_001322012.2); c.1871C>A, p.Ser624Ter (NM_001322013.2); c.2477C>A, p.Ser826Ter (NM_001322014.2); and 1 more; short protein forms S504*, S624*, S628*, S680*, S691*, S709*, S712*, S763*.
Identifiers: ClinVar variation 1691167 (VCV001691167.6), dbSNP rs587779338, ClinGen allele CA366735532.